The following is an entry in ClinVar:

NM_000748.3(CHRNB2):c.1425C>T (p.Ile475=)

Gene: CHRNB2 (cholinergic receptor nicotinic beta 2 subunit; plus strand). Cytogenetic location: 1q21.3.
Variant type: single nucleotide variant.
Coding change: c.1425C>T on transcript NM_000748.3 (MANE Select); coding-DNA position 1425, C replaced by T.
Protein change: p.Ile475=; no amino-acid change (isoleucine 475 retained).
Molecular consequence: synonymous variant.
Genome position (GRCh38, 1-based): chr1:154,575,848, C>T. VCF-style: chr1-154575848-C-T. GRCh37 (hg19) VCF-style: chr1-154548324-C-T.
Identifiers: ClinVar variation 388344 (VCV000388344.13), dbSNP rs773226966, ClinGen allele CA1130880.
Genomic context (GRCh38, chr1:154,575,848, plus strand): 5'-CATGGTGATCGACCGCCTCTTCCTCTGGATCTTTGTCTTTGTCTGTGTCTTTGGCACCAT[C>T]GGCATGTTCCTGCAGCCTCTCTTCCAGAACTACACCACCACCACCTTCCTCCACTCAGAC-3'
Protein context (NP_000739.1, residues 465-485): IFVFVCVFGT[Ile475=]GMFLQPLFQN

ClinVar aggregate classification (germline): Likely benign. Review status: criteria provided, multiple submitters, no conflicts (2 of 4 stars). 3 submissions from 3 submitters: Likely benign (3). Last evaluated 2026-02-02.

Conditions:
Inborn genetic diseases. Identifiers: MedGen C0950123, MeSH D030342.
Familial sleep-related hypermotor epilepsy. Also called: Autosomal Dominant Sleep-Related Hypermotor (Hyperkinetic) Epilepsy. Identifiers: Orphanet 98784, MedGen C3696898, MONDO:0000030.

Allele frequency attached by ClinVar (database versions not stated): ExAC 0.00001; gnomAD 0.00001; gnomAD exomes 0.00001 and 0.00002; TOPMed 0.00002.

Submissions (3):

Labcorp Genetics (formerly Invitae), Labcorp
Classification: Likely benign. Last evaluated: 2026-02-02. Review status: criteria provided, single submitter. Criteria: Invitae Variant Classification Sherloc (09022015). Collection method: clinical testing. Allele origin: germline.

Ambry Genetics
Classification: Likely benign for Inborn genetic diseases. Last evaluated: 2016-11-30. Review status: criteria provided, single submitter. Criteria: Ambry Variant Classification Scheme 2023. Collection method: clinical testing. Allele origin: germline.

GeneDx
Classification: Likely benign. Last evaluated: 2016-08-04. Review status: criteria provided, single submitter. Criteria: GeneDx Variant Classification (06012015). Collection method: clinical testing. Allele origin: germline. Affected: yes.
Comment: This variant is considered likely benign or benign based on one or more of the following criteria: it is a conservative change, it occurs at a poorly conserved position in the protein, it is predicted to be benign by multiple in silico algorithms, and/or has population frequency not consistent with disease.